The following is an entry in ClinVar:

NM_033109.5(PNPT1):c.1511C>T (p.Ser504Phe)

Gene: PNPT1 (polyribonucleotide nucleotidyltransferase 1; minus strand). Cytogenetic location: 2p16.1.
Variant type: single nucleotide variant.
Coding change: c.1511C>T on transcript NM_033109.5 (MANE Select); coding-DNA position 1511, C replaced by T.
Protein change: p.Ser504Phe; replaces serine 504 with phenylalanine.
Molecular consequence: missense variant.
Genome position (GRCh38, 1-based): chr2:55,647,438, G>A on the plus strand (C>T on the coding strand, the complement: PNPT1 is on the minus strand). VCF-style: chr2-55647438-G-A. GRCh37 (hg19) VCF-style: chr2-55874573-G-A.
Other names: short protein forms S504F.
Identifiers: ClinVar variation 2099370 (VCV002099370.4), dbSNP rs761997636, ClinGen allele CA1668038.

ClinVar aggregate classification (germline): Uncertain significance (1 of 4 stars; one submission).

Allele frequency attached by ClinVar (database versions not stated): TOPMed below 0.00001; ExAC 0.00001.
gnomAD v4.1: 24 of 1,608,220 alleles (0.0015%); highest among the groups gnomAD compares: Non-Finnish European, 0.002%; no homozygotes.

Submission:

Labcorp Genetics (formerly Invitae), Labcorp
Classification: Uncertain significance. Last evaluated: 2022-06-18. Review status: criteria provided, single submitter. Criteria: Invitae Variant Classification Sherloc (09022015). Collection method: clinical testing. Allele origin: germline.
Comment: In summary, the available evidence is currently insufficient to determine the role of this variant in disease. Therefore, it has been classified as a Variant of Uncertain Significance. Algorithms developed to predict the effect of sequence changes on RNA splicing suggest that this variant may create or strengthen a splice site. Algorithms developed to predict the effect of missense changes on protein structure and function are either unavailable or do not agree on the potential impact of this missense change (SIFT: "Deleterious"; PolyPhen-2: "Possibly Damaging"; Align-GVGD: "Class C15"). This variant has not been reported in the literature in individuals affected with PNPT1-related conditions. This variant is present in population databases (rs761997636, gnomAD 0.0009%). This sequence change replaces serine, which is neutral and polar, with phenylalanine, which is neutral and non-polar, at codon 504 of the PNPT1 protein (p.Ser504Phe).